The following is an entry in ClinVar:

ClinVar aggregate classification (germline): Uncertain significance. Review status: criteria provided, multiple submitters, no conflicts (2 of 4 stars). 3 submissions from 3 submitters: Uncertain significance (3). Last evaluated 2022-04-04.

Allele frequency attached by ClinVar (database versions not stated): ExAC 0.00002; gnomAD 0.00002 and 0.00003; gnomAD exomes 0.00002; TOPMed 0.00002; ESP Exome Variant Server 0.00015.

Submissions (3):

Labcorp Genetics (formerly Invitae), Labcorp
Classification: Uncertain significance. Last evaluated: 2022-04-04. Review status: criteria provided, single submitter. Criteria: Invitae Variant Classification Sherloc (09022015). Collection method: clinical testing. Allele origin: germline.
Comment: This sequence change replaces arginine, which is basic and polar, with tryptophan, which is neutral and slightly polar, at codon 247 of the DHX38 protein (p.Arg247Trp). This variant is present in population databases (rs369133069, gnomAD 0.005%). This variant has not been reported in the literature in individuals affected with DHX38-related conditions. ClinVar contains an entry for this variant (Variation ID: 1044261). Algorithms developed to predict the effect of missense changes on protein structure and function (SIFT, PolyPhen-2, Align-GVGD) all suggest that this variant is likely to be tolerated. In summary, the available evidence is currently insufficient to determine the role of this variant in disease. Therefore, it has been classified as a Variant of Uncertain Significance.

CeGaT Center for Human Genetics Tuebingen
Classification: Uncertain significance. Last evaluated: 2022-03-01. Review status: criteria provided, single submitter. Criteria: CeGaT Center For Human Genetics Tuebingen Variant Classification Criteria Version 2. Collection method: clinical testing. Allele origin: germline. Affected: yes. Observed: 1 variant allele.
Comment: DHX38: PM2

Blueprint Genetics
Classification: Uncertain significance. Last evaluated: 2020-09-21. Review status: criteria provided, single submitter. Criteria: ACMG Guidelines, 2015. Collection method: clinical testing. Allele origin: germline.

NM_014003.4(DHX38):c.739C>T (p.Arg247Trp)

Gene: DHX38 (DEAH-box helicase 38; plus strand). Cytogenetic location: 16q22.2.
Variant type: single nucleotide variant.
Coding change: c.739C>T on transcript NM_014003.4 (MANE Select); coding-DNA position 739, C replaced by T.
Protein change: p.Arg247Trp; replaces arginine 247 with tryptophan.
Molecular consequence: missense variant.
Genome position (GRCh38, 1-based): chr16:72,098,767, C>T. VCF-style: chr16-72098767-C-T. GRCh37 (hg19) VCF-style: chr16-72132666-C-T.
Other names: short protein forms R247W.
Identifiers: ClinVar variation 1044261 (VCV001044261.30), dbSNP rs369133069, ClinGen allele CA8160055.